The following is an entry in ClinVar:

NM_001378454.1(ALMS1):c.10628C>G (p.Thr3543Ser)

Gene: ALMS1 (ALMS1 centrosome and basal body associated protein; plus strand). Cytogenetic location: 2p13.1.
Variant type: single nucleotide variant.
Coding change: c.10628C>G on transcript NM_001378454.1 (MANE Select); coding-DNA position 10628, C replaced by G.
Protein change: p.Thr3543Ser; replaces threonine 3543 with serine.
Molecular consequence: missense variant.
Genome position (GRCh38, 1-based): chr2:73,572,505, C>G. VCF-style: chr2-73572505-C-G. GRCh37 (hg19) VCF-style: chr2-73799632-C-G.
Other names: c.10631C>G, p.Thr3544Ser (NM_015120.4); short protein forms T3544S, T3543S.
Identifiers: ClinVar variation 221028 (VCV000221028.58), dbSNP rs45501594, ClinGen allele CA349169.
Genomic context (GRCh38, chr2:73,572,505, plus strand): 5'-GAGAACACATGTGTCTTCCTCTTCCTTATCAAAACATGGACAAGACTAAGACAGATTATA[C>G]CAGAATAAAGAGCCTCAGCATCAATGTGAATTTGGGAAACAAAGAAGTGATGGATACTAC-3'
Protein context (NP_001365383.1, residues 3533-3553): QNMDKTKTDY[Thr3543Ser]RIKSLSINVN

ClinVar aggregate classification (germline): Conflicting classifications of pathogenicity. Review status: criteria provided, conflicting classifications (1 of 4 stars). 16 submissions from 16 submitters: Uncertain significance (1); Benign (11); Likely benign (3). 1 of the submissions does not count toward it. Last evaluated 2026-10-01.

Conditions:
Cardiovascular phenotype. Identifiers: MedGen CN230736.
Alstrom syndrome (ALMS). Identifiers: Orphanet 64, MedGen C0268425, MONDO:0008763, OMIM 203800.
Monogenic diabetes. Identifiers: Orphanet 183625, MedGen C3888631, MONDO:0015967.
Early onset severe obesity. Identifiers: MedGen C4013980.

Allele frequency attached by ClinVar (database versions not stated): 1000 Genomes Project 30x 0.00172; 1000 Genomes Project 0.00180; gnomAD exomes 0.00664 and 0.01143; gnomAD 0.00668 and 0.00688; ExAC 0.00690; TOPMed 0.00717; ESP Exome Variant Server 0.00903.
gnomAD v4.1: 17,655 of 1,613,648 alleles (1.1%); highest among the groups gnomAD compares: Non-Finnish European, 1.3%; 114 homozygotes.

Submissions (16):

CeGaT Center for Human Genetics Tuebingen
Classification: Benign. Last evaluated: 2026-10-01. Review status: criteria provided, single submitter. Criteria: CeGaT Center For Human Genetics Tuebingen Variant Classification Criteria Version 2. Collection method: clinical testing. Allele origin: germline. Affected: yes. Observed: 34 variant alleles.
Comment: ALMS1: BP4, BS1, BS2

Labcorp Genetics (formerly Invitae), Labcorp
Classification: Benign for Alstrom syndrome. Last evaluated: 2026-02-03. Review status: criteria provided, single submitter. Criteria: Invitae Variant Classification Sherloc (09022015). Collection method: clinical testing. Allele origin: germline.

ARUP Laboratories, Molecular Genetics and Genomics, ARUP Laboratories
Classification: Benign for Alstrom syndrome. Last evaluated: 2025-04-08. Review status: criteria provided, single submitter. Criteria: ARUP Molecular Germline Variant Investigation Process 2024. Collection method: clinical testing. Allele origin: germline.

Blueprint Genetics
Classification: Likely benign. Last evaluated: 2024-11-26. Review status: criteria provided, single submitter. Criteria: ACMG Guidelines, 2015. Collection method: clinical testing. Allele origin: germline.

Cambridge Genomics Laboratory, East Genomic Laboratory Hub, NHS Genomic Medicine Service
Classification: Benign for Severe early-onset obesity. Last evaluated: 2023-08-09. Review status: criteria provided, single submitter. Criteria: ACGS Best Practice Guidelines for Variant Classification in Rare Disease 2020. Collection method: clinical testing. Allele origin: germline. Affected: yes.
Comment: The p.(Thr3543Ser) variant is observed in 1.173/111.712 (1.05%) alleles from individuals of gnomAD Non Finnish European background in gnomAD All. The p.(Thr3543Ser) variant is observed in 39/3.470 (1.1239%) alleles from individuals of gnomAD Genomes v3 Ashkenazi Jewish background in gnomAD Genomes v3, indicating it is a common benign variant. (BA1 - Standalone) | The p.(Thr3543Ser) variant is not predicted to introduce a novel splice site by any splice site algorithm. The nucleotide c.10628 in ALMS1 is not conserved according to a GERP++ and PhyloP analysis of 100 vertebrates. (BP4_Moderate - Moderate)

Personalized Diabetes Medicine Program, University of Maryland School of Medicine
Classification: Benign for Monogenic diabetes. Last evaluated: 2019-02-01. Review status: criteria provided, single submitter. Criteria: ACMG Guidelines, 2015. Collection method: research. Allele origin: unknown. Observed: 8 variant alleles, 8 heterozygotes.
Comment: ACMG criteria: BP4 (six predictors plus Revel score: 0.024; not using PP3's three predictors), BA1 (1% in gnomAD European population), BS2 (15 homozygotes in gnomAD), BP1 (missense variant when mostly truncating mutations)= benign

Ambry Genetics
Classification: Benign for Cardiovascular phenotype. Last evaluated: 2019-01-03. Review status: criteria provided, single submitter. Criteria: Ambry Variant Classification Scheme 2023. Collection method: clinical testing. Allele origin: germline.

Athena Diagnostics
Classification: Benign. Last evaluated: 2018-07-31. Review status: criteria provided, single submitter. Criteria: Athena Diagnostics Criteria. Collection method: clinical testing. Allele origin: germline.

GeneDx
Classification: Benign. Last evaluated: 2018-07-23. Review status: criteria provided, single submitter. Criteria: GeneDx Variant Classification Process June 2021. Collection method: clinical testing. Allele origin: germline. Affected: yes.
Comment: This variant is associated with the following publications: (PMID: 26239645, 25846608)

Laboratory for Molecular Medicine, Mass General Brigham Personalized Medicine
Classification: Benign. Last evaluated: 2017-12-14. Review status: criteria provided, single submitter. Criteria: LMM Criteria. Collection method: clinical testing. Allele origin: germline. Observed: 6 variant alleles.
Comment: p.Thr3542Ser in exon 16 of ALMS1: This variant is not expected to have clinical significance because it has been identified in 1.03% (1297/125086) of European c hromosomes including 12 homozygotes by the Genome Aggregation Database (gnomAD; dbSNP rs45501594).

Eurofins Ntd Llc (ga)
Classification: Benign. Last evaluated: 2017-01-25. Review status: criteria provided, single submitter. Criteria: EGL Classification Definitions 2015. Collection method: clinical testing. Allele origin: germline. Observed: 1 variant allele, 1 heterozygote.

Women's Health and Genetics/Laboratory Corporation of America, LabCorp
Classification: Benign. Last evaluated: 2016-08-02. Review status: criteria provided, single submitter. Criteria: LabCorp Variant Classification Summary - May 2015. Collection method: clinical testing. Allele origin: germline.
Comment: Variant summary: The ALMS1 c.10625C>G (p.Thr3542Ser, alternative name c.10631C>G) variant involves the alteration of a non-conserved nucleotide. 4/5 in silico tools predict a benign outcome for this variant. This variant was found in 824/119494 control chromosomes (5 homozygotes), predominantly observed in the European (Non-Finnish) subpopulation at a frequency of 0.0099462 (658/66156). This frequency is about 4 to 7 times the estimated maximal expected allele frequency of a pathogenic ALMS1 variant (0.0022361) for CYMO or Alstrom Syndrom, respectively. The allele frequency in the European (Non-Finnish) subpopulation suggests that this variant is likely a benign polymorphism found primarily in the populations of European (Non-Finnish) origin. The variant has been reported in patients with clinical features of Alstrom Syndrome, but without evidence of causality (ie co-segregation or functional studies). In addition, multiple clinical diagnostic laboratories/reputable databases classified this variant as benign. Taken together, this variant is classified as benign.

Center for Pediatric Genomic Medicine, Children's Mercy Hospital and Clinics
Classification: Likely benign. Last evaluated: 2015-09-29. Review status: criteria provided, single submitter. Criteria: ACMG Guidelines, 2015. Collection method: clinical testing. Allele origin: germline.
ClinVar note: Converted during submission from Likely Benign to Likely benign.

Breakthrough Genomics
Classification: Likely benign. Review status: criteria provided, single submitter. Criteria: ACMG Guidelines, 2015. Collection method: not provided. Allele origin: germline. Inheritance: Autosomal recessive inheritance. Affected: yes.

Clinical Genomics, Uppaluri K&H Personalized Medicine Clinic
Classification: Uncertain significance for Alstrom syndrome. Review status: criteria provided, single submitter. Criteria: K & H Uppaluri Personalized Medicine Clinic Variant Classification & Assertion Criteria_Updated V.1. Collection method: research. Allele origin: unknown. Inheritance: Autosomal recessive inheritance.
Comment: Potent mutations in ALMS1 are associated with a rare condition called Alstrom syndrome. It can cause excessive eating, insulin resistance. However, no evidence is found to ascertain the role of rs45501594 in Alstrom syndrome yet.

Natera, Inc.
Classification: Benign for Alstrom syndrome. Last evaluated: 2019-12-02. Review status: no assertion criteria provided. Collection method: clinical testing. Allele origin: germline. Not counted in ClinVar's aggregate classification.

Literature cited by the submitters: PubMed 26239645 (cited by Athena Diagnostics); PubMed 34148947 (cited by Clinical Genomics, Uppaluri K&H Personalized Medicine Clinic); PubMed 25846608 (cited by Clinical Genomics, Uppaluri K&H Personalized Medicine Clinic); PubMed 30421101 (cited by Clinical Genomics, Uppaluri K&H Personalized Medicine Clinic); PubMed 33669459 (cited by Clinical Genomics, Uppaluri K&H Personalized Medicine Clinic).